The following is an entry in ClinVar:

NM_000057.4(BLM):c.1538A>G (p.Lys513Arg)

Gene: BLM (BLM RecQ like helicase; plus strand). Cytogenetic location: 15q26.1.
Variant type: single nucleotide variant.
Coding change: c.1538A>G on transcript NM_000057.4 (MANE Select); coding-DNA position 1538, A replaced by G.
Protein change: p.Lys513Arg; replaces lysine 513 with arginine.
Molecular consequence: missense variant.
Genome position (GRCh38, 1-based): chr15:90,760,911, A>G. VCF-style: chr15-90760911-A-G. GRCh37 (hg19) VCF-style: chr15-91304141-A-G.
Other names: c.1538A>G, p.Lys513Arg (NM_001287246.2, NM_001287247.2); c.413A>G, p.Lys138Arg (NM_001287248.2); short protein forms K138R, K513R.
Identifiers: ClinVar variation 3824484 (VCV003824484.1).

ClinVar aggregate classification (germline): Uncertain significance (1 of 4 stars; one submission).

Conditions:
Hereditary cancer-predisposing syndrome. Also called: Hereditary neoplastic syndrome; Neoplastic Syndromes, Hereditary; Tumor predisposition; Hereditary Cancer Syndrome. Identifiers: Orphanet 140162, MedGen C0027672, MeSH D009386, MONDO:0015356.

Submission:

Ambry Genetics
Classification: Uncertain significance for Hereditary cancer-predisposing syndrome. Last evaluated: 2025-03-08. Review status: criteria provided, single submitter. Criteria: Ambry Variant Classification Scheme 2023. Collection method: clinical testing. Allele origin: germline.
Comment: The p.K513R variant (also known as c.1538A>G), located in coding exon 6 of the BLM gene, results from an A to G substitution at nucleotide position 1538. The lysine at codon 513 is replaced by arginine, an amino acid with highly similar properties. This amino acid position is conserved. In addition, this alteration is predicted to be tolerated by in silico analysis. Based on the available evidence, the clinical significance of this variant remains unclear.